The following is an entry in ClinVar:

NM_001018115.3(FANCD2):c.1573T>G (p.Ser525Ala)

Genes: FANCD2 (FA complementation group D2; plus strand), LOC107303338 (3p25 FANCD2 Alu-mediated recombination region; plus strand). Cytogenetic location: 3p25.3.
Variant type: single nucleotide variant.
Coding change: c.1573T>G on transcript NM_001018115.3 (MANE Select); coding-DNA position 1573, T replaced by G.
Protein change: p.Ser525Ala; replaces serine 525 with alanine.
Molecular consequence: missense variant. On other transcripts: intron variant (1).
Genome position (GRCh38, 1-based): chr3:10,052,414, T>G. VCF-style: chr3-10052414-T-G. GRCh37 (hg19) VCF-style: chr3-10094098-T-G.
Other names: c.1573T>G, p.Ser525Ala (NM_001319984.2, NM_001374254.1, NM_033084.6); c.1545+2909T>G (NM_001374253.1); short protein forms S525A.
Identifiers: ClinVar variation 2046664 (VCV002046664.1), dbSNP rs770421515, ClinGen allele CA2249718.
Genomic context (GRCh38, chr3:10,052,414, plus strand): 5'-CTAGCCTCATTGTTGGCATCATTTTTTCCACAGGGCATTTTAGATTATCTGGATAACATA[T>G]CCCCTCAGCAAATACGAAAACTCTTCTATGTTCTCAGCACACTGGCATTTAGCAAACAGA-3'
Protein context (NP_001018125.1, residues 515-535): KGILDYLDNI[Ser525Ala]PQQIRKLFYV

ClinVar aggregate classification (germline): Uncertain significance (1 of 4 stars; one submission).

Conditions:
Fanconi anemia (FA). Also called: Fanconi's anemia. Identifiers: Orphanet 84, MedGen C0015625, MeSH D005199, MONDO:0019391.

Allele frequency attached by ClinVar (database versions not stated): ExAC 0.00001; gnomAD 0.00001.
gnomAD v4.1: 5 of 1,612,662 alleles (0.00031%); highest among the groups gnomAD compares: Non-Finnish European, 0.00042%; no homozygotes.

Submission:

Labcorp Genetics (formerly Invitae), Labcorp
Classification: Uncertain significance for Fanconi anemia. Last evaluated: 2022-09-16. Review status: criteria provided, single submitter. Criteria: Invitae Variant Classification Sherloc (09022015). Collection method: clinical testing. Allele origin: germline.
Comment: This sequence change replaces serine, which is neutral and polar, with alanine, which is neutral and non-polar, at codon 525 of the FANCD2 protein (p.Ser525Ala). This variant is present in population databases (rs770421515, gnomAD 0.002%). This variant has not been reported in the literature in individuals affected with FANCD2-related conditions. Advanced modeling of protein sequence and biophysical properties (such as structural, functional, and spatial information, amino acid conservation, physicochemical variation, residue mobility, and thermodynamic stability) has been performed at Invitae for this missense variant, however the output from this modeling did not meet the statistical confidence thresholds required to predict the impact of this variant on FANCD2 protein function. In summary, the available evidence is currently insufficient to determine the role of this variant in disease. Therefore, it has been classified as a Variant of Uncertain Significance.